The following is an entry in ClinVar:

NM_005518.4(HMGCS2):c.701A>G (p.His234Arg)

Gene: HMGCS2 (3-hydroxy-3-methylglutaryl-CoA synthase 2; minus strand). Cytogenetic location: 1p12.
Variant type: single nucleotide variant.
Coding change: c.701A>G on transcript NM_005518.4 (MANE Select); coding-DNA position 701, A replaced by G.
Protein change: p.His234Arg; replaces histidine 234 with arginine.
Molecular consequence: missense variant.
Genome position (GRCh38, 1-based): chr1:119,759,267, T>C on the plus strand (A>G on the coding strand, the complement: HMGCS2 is on the minus strand). VCF-style: chr1-119759267-T-C. GRCh37 (hg19) VCF-style: chr1-120301890-T-C.
Other names: c.575A>G, p.His192Arg (NM_001166107.1); short protein forms H192R, H234R.
Identifiers: ClinVar variation 1339069 (VCV001339069.2), dbSNP rs2101262615, ClinGen allele CA341862621.
Genomic context (GRCh38, chr1:119,759,267, plus strand): 5'-TCCACTATTGGGTACTCCGAGGCCAAATTTGGTTTGTAGAAGTCATACACATTCTCCATA[T>C]GGGTTCCCCTCAGCCCTGGAAAGGCACACAAAGTGTTTCAGAGACTACACAATGCAGCCT-3'
Protein context (NP_005509.1, residues 224-244): LALERGLRGT[His234Arg]MENVYDFYKP

ClinVar aggregate classification (germline): Uncertain significance (1 of 4 stars; one submission).

Conditions:
3-hydroxy-3-methylglutaryl-CoA synthase deficiency (HMGCS2D). Also called: HMG-CoA synthase-2 deficiency; HMGCS2 DEFICIENCY; MITOCHONDRIAL HMG-CoA SYNTHASE DEFICIENCY. Identifiers: Orphanet 35701, MedGen C2751532, MONDO:0011614, OMIM 605911.

Submission:

Neuberg Centre For Genomic Medicine, NCGM
Classification: Uncertain significance for 3-hydroxy-3-methylglutaryl-CoA synthase deficiency. Review status: criteria provided, single submitter. Criteria: ACMG Guidelines, 2015. Collection method: clinical testing. Allele origin: germline. Affected: yes.
Comment: The missense variant p.H234R in HMGCS2 (NM_005518.4) has not been reported previously as a pathogenic variant nor as a benign variant, to our knowledge. The p.H234R variant is novel (not in any individuals) in gnomAD Exomes and is novel (not in any individuals) in 1000 Genomes. The p.H234R missense variant is predicted to be damaging by both SIFT and PolyPhen2. The histidine residue at codon 234 of HMGCS2 is conserved in all mammalian species. The nucleotide c.701 in HMGCS2 is predicted conserved by GERP++ and PhyloP across 100 vertebrates. For these reasons, this variant has been classified as Uncertain Significance.